The following is an entry in ClinVar:

ClinVar aggregate classification (germline): Uncertain significance. Review status: criteria provided, multiple submitters, no conflicts (2 of 4 stars). 2 submissions from 2 submitters: Uncertain significance (2). Last evaluated 2026-04-15.

Conditions:
PRPF8-related disorder. Also called: PRPF8-related condition.

gnomAD v4.1: 7 of 1,612,646 alleles (0.00043%); highest among the groups gnomAD compares: Admixed American, 0.0083%; no homozygotes.

Submissions (2):

PreventionGenetics, part of Exact Sciences
Classification: Uncertain significance for PRPF8-related condition. Last evaluated: 2026-04-15. Review status: criteria provided, single submitter. Criteria: ACMG Guidelines, 2015. Collection method: clinical testing. Allele origin: germline.
Comment: The PRPF8 c.59C>G variant is predicted to result in the amino acid substitution p.Pro20Arg. To our knowledge, this variant has not been reported in the literature. This variant has been reported in 0.012% alleles in individuals of Latino descent in gnomAD v2 (as displayed in the table above). However, in gnomAD v4 (available only on GRCh38), this variant is reported in 0.0083% of alleles in individuals of Admixed American ancestry in gnomAD, including zero homozygotes. At this time, the clinical significance of this variant is uncertain due to the absence of conclusive functional and genetic evidence.

Labcorp Genetics (formerly Invitae), Labcorp
Classification: Uncertain significance. Last evaluated: 2022-02-08. Review status: criteria provided, single submitter. Criteria: Invitae Variant Classification Sherloc (09022015). Collection method: clinical testing. Allele origin: germline.
Comment: This variant has not been reported in the literature in individuals affected with PRPF8-related conditions. This sequence change replaces proline, which is neutral and non-polar, with arginine, which is basic and polar, at codon 20 of the PRPF8 protein (p.Pro20Arg). This variant is present in population databases (rs769676574, gnomAD 0.01%). Algorithms developed to predict the effect of missense changes on protein structure and function (SIFT, PolyPhen-2, Align-GVGD) all suggest that this variant is likely to be tolerated. In summary, the available evidence is currently insufficient to determine the role of this variant in disease. Therefore, it has been classified as a Variant of Uncertain Significance.

NM_006445.4(PRPF8):c.59C>G (p.Pro20Arg)

Gene: PRPF8 (pre-mRNA processing factor 8; minus strand). Cytogenetic location: 17p13.3.
Variant type: single nucleotide variant.
Coding change: c.59C>G on transcript NM_006445.4 (MANE Select); coding-DNA position 59, C replaced by G.
Protein change: p.Pro20Arg; replaces proline 20 with arginine.
Molecular consequence: missense variant.
Genome position (GRCh38, 1-based): chr17:1,684,513, G>C on the plus strand (C>G on the coding strand, the complement: PRPF8 is on the minus strand). VCF-style: chr17-1684513-G-C. GRCh37 (hg19) VCF-style: chr17-1587807-G-C.
Other names: c.59C>G (NM_006445.3); short protein forms P20R.
Identifiers: ClinVar variation 1391927 (VCV001391927.9), dbSNP rs769676574, ClinGen allele CA8272752.
Genomic context (GRCh38, chr17:1,684,513, plus strand): 5'-CTCCACACTCTCGCCTCACCTTTCTCCTGCAGCTTCTCCTCCGACATGTAGTCCGGTAGC[G>C]GGGCTAGAGGGCCAGGCACCGGGTTACCCGGCCCTCGATAAGGAAACACTCCGGCCATAT-3'
Protein context (NP_006436.3, residues 10-30): PGNPVPGPLA[Pro20Arg]LPDYMSEEKL